The following is an entry in ClinVar:

NM_152783.5(D2HGDH):c.1356G>A (p.Ser452=)

Gene: D2HGDH (D-2-hydroxyglutarate dehydrogenase; plus strand). Cytogenetic location: 2q37.3.
Variant type: single nucleotide variant.
Coding change: c.1356G>A on transcript NM_152783.5 (MANE Select); coding-DNA position 1356, G replaced by A.
Protein change: p.Ser452=; no amino-acid change (serine 452 retained).
Molecular consequence: synonymous variant. On other transcripts: non-coding transcript variant (1).
Genome position (GRCh38, 1-based): chr2:241,767,759, G>A. VCF-style: chr2-241767759-G-A. GRCh37 (hg19) VCF-style: chr2-242707174-G-A.
Other names: c.954G>A, p.Ser318= (NM_001287249.2); c.795G>A, p.Ser265= (NM_001352824.2); c.1356G>A (NM_152783.4).
Identifiers: ClinVar variation 2140724 (VCV002140724.7), dbSNP rs145300657, ClinGen allele CA2222212.
Genomic context (GRCh38, chr2:241,767,759, plus strand): 5'-TGTCCCTCCAGGAGATGGTAACCTGCACCTCAATGTGACGGCGGAGGCCTTCAGCCCCTC[G>A]CTCCTGGCTGCCCTGGAGCCCCACGTGTACGAGTGGACGGCCGGGCAGCAGGGCAGCGTC-3'
Protein context (NP_689996.4, residues 442-462): LNVTAEAFSP[Ser452=]LLAALEPHVY

ClinVar aggregate classification (germline): Likely benign. Review status: criteria provided, multiple submitters, no conflicts (2 of 4 stars). 3 submissions from 3 submitters: Likely benign (2). 1 of the submissions does not count toward it. Last evaluated 2024-10-21.

Conditions:
D2HGDH-related disorder. Also called: D2HGDH-related condition.
D-2-hydroxyglutaric aciduria 1 (D2HGA1). Identifiers: Orphanet 79315, MedGen C3152055, MONDO:0024554, OMIM 600721.

Allele frequency attached by ClinVar (database versions not stated): gnomAD 0.00001; TOPMed 0.00003; gnomAD exomes 0.00004; ESP Exome Variant Server 0.00008.
gnomAD v4.1: 65 of 1,612,556 alleles (0.004%); highest among the groups gnomAD compares: Admixed American, 0.01%; no homozygotes.

Submissions (3):

Blueprint Genetics
Classification: Likely benign. Last evaluated: 2024-10-21. Review status: criteria provided, single submitter. Criteria: ACMG Guidelines, 2015. Collection method: clinical testing. Allele origin: germline.

Labcorp Genetics (formerly Invitae), Labcorp
Classification: Likely benign for D-2-hydroxyglutaric aciduria 1. Last evaluated: 2024-07-03. Review status: criteria provided, single submitter. Criteria: Invitae Variant Classification Sherloc (09022015). Collection method: clinical testing. Allele origin: germline.

PreventionGenetics, part of Exact Sciences
Classification: Likely benign for D2HGDH-related condition. Last evaluated: 2019-05-27. Review status: no assertion criteria provided. Collection method: clinical testing. Allele origin: germline. Not counted in ClinVar's aggregate classification.
Comment: This variant is classified as likely benign based on ACMG/AMP sequence variant interpretation guidelines (Richards et al. 2015 PMID: 25741868, with internal and published modifications).